The following is an entry in ClinVar:

ClinVar aggregate classification (germline): Uncertain significance (1 of 4 stars; one submission).

Allele frequency attached by ClinVar (database versions not stated): TOPMed below 0.00001; gnomAD 0.00003.
gnomAD v4.1: 4 of 1,613,266 alleles (0.00025%); highest among the groups gnomAD compares: Non-Finnish European, 0.00034%; no homozygotes.

Submission:

Laboratory for Molecular Medicine, Mass General Brigham Personalized Medicine
Classification: Uncertain significance. Last evaluated: 2015-03-16. Review status: criteria provided, single submitter. Criteria: LMM Criteria. Collection method: clinical testing. Allele origin: germline. Observed: 1 variant allele.
Comment: The p.His17976Arg variant in TTN has not been previously reported in individuals with cardiomyopathy or in large population studies. Computational prediction to ols and conservation analysis do not provide strong support for or against an im pact to the protein. In summary, the clinical significance of the p.His17976Arg variant is uncertain.

NM_001267550.2(TTN):c.61631A>G (p.His20544Arg)

Genes: TTN (titin; minus strand), TTN-AS1 (TTN antisense RNA 1; plus strand). Cytogenetic location: 2q31.2.
Variant type: single nucleotide variant.
Coding change: c.61631A>G on transcript NM_001267550.2 (MANE Select); coding-DNA position 61631, A replaced by G.
Protein change: p.His20544Arg; replaces histidine 20544 with arginine.
Molecular consequence: missense variant.
Genome position (GRCh38, 1-based): chr2:178,590,094, T>C on the plus strand (A>G on the coding strand, the complement: TTN is on the minus strand). VCF-style: chr2-178590094-T-C. GRCh37 (hg19) VCF-style: chr2-179454821-T-C.
Other names: c.53927A>G, p.His17976Arg (NM_133378.4); c.56708A>G, p.His18903Arg (NM_001256850.1); c.34436A>G, p.His11479Arg (NM_003319.4); c.34811A>G, p.His11604Arg (NM_133432.3); c.35012A>G, p.His11671Arg (NM_133437.4); short protein forms H17976R, H20544R, H11479R, H18903R, H11604R, H11671R.
Identifiers: ClinVar variation 229483 (VCV000229483.5), dbSNP rs876658073, ClinGen allele CA10576501.